The following is an entry in ClinVar:

NM_012330.4(KAT6B):c.1808C>T (p.Ser603Phe)

Gene: KAT6B (lysine acetyltransferase 6B; plus strand). Cytogenetic location: 10q22.2.
Variant type: single nucleotide variant.
Coding change: c.1808C>T on transcript NM_012330.4 (MANE Select); coding-DNA position 1808, C replaced by T.
Protein change: p.Ser603Phe; replaces serine 603 with phenylalanine.
Molecular consequence: missense variant. On other transcripts: intron variant (13).
Genome position (GRCh38, 1-based): chr10:74,976,145, C>T. VCF-style: chr10-74976145-C-T. GRCh37 (hg19) VCF-style: chr10-76735903-C-T.
Other names: c.1808C>T, p.Ser603Phe (NM_001370136.1, NM_001370137.1); c.1117+691C>T (NM_001370139.1, NM_001370140.1, NM_001370141.1 and 3 more transcripts); c.1444+364C>T (NM_001370138.1, NM_001256468.2); c.846+6370C>T (NM_001370133.1); c.193-3079C>T (NM_001370134.1); c.929-1171C>T (NM_001370143.1, NM_001370144.1); c.193-12874C>T (NM_001370135.1); short protein forms S603F.
Identifiers: ClinVar variation 2748239 (VCV002748239.3), dbSNP rs2548956536, ClinGen allele CA377288446.
Genomic context (GRCh38, chr10:74,976,145, plus strand): 5'-CTAAAGCCCACTTCTTTGGCAAAAGAGATATTAGAAGTCGGTTTATTTCTCACTCCTCCT[C>T]CTCTAGCTGGGGGATGGCTAGAGGAAGTATTTTTAAAGCAATTGCTCACTTCAAGCGAAC-3'
Protein context (NP_036462.2, residues 593-613): IRSRFISHSS[Ser603Phe]SSWGMARGSI

ClinVar aggregate classification (germline): Uncertain significance (1 of 4 stars; one submission).

Conditions:
Genitopatellar syndrome (GTPTS). Also called: ABSENT PATELLAE, SCROTAL HYPOPLASIA, RENAL ANOMALIES, FACIAL DYSMORPHISM, AND MENTAL RETARDATION; Genitopatellar syndrome (GPS). Identifiers: Orphanet 85201, MedGen C1853566, MONDO:0011640, OMIM 606170.

Allele frequency attached by ClinVar (database versions not stated): gnomAD exomes below 0.00001.
gnomAD v4.1: 1 of 1,614,218 alleles (0.000062%); highest among the groups gnomAD compares: South Asian, 0.0011%; no homozygotes.

Submission:

Labcorp Genetics (formerly Invitae), Labcorp
Classification: Uncertain significance for Genitopatellar syndrome. Last evaluated: 2023-11-18. Review status: criteria provided, single submitter. Criteria: Invitae Variant Classification Sherloc (09022015). Collection method: clinical testing. Allele origin: germline.
Comment: This sequence change replaces serine, which is neutral and polar, with phenylalanine, which is neutral and non-polar, at codon 603 of the KAT6B protein (p.Ser603Phe). This variant is not present in population databases (gnomAD no frequency). This variant has not been reported in the literature in individuals affected with KAT6B-related conditions. An algorithm developed to predict the effect of missense changes on protein structure and function (PolyPhen-2) suggests that this variant is likely to be tolerated. In summary, the available evidence is currently insufficient to determine the role of this variant in disease. Therefore, it has been classified as a Variant of Uncertain Significance.